The following is an entry in ClinVar:

NM_080605.4(B3GALT6):c.726C>A (p.Asp242Glu)

Gene: B3GALT6 (beta-1,3-galactosyltransferase 6; plus strand). Cytogenetic location: 1p36.33.
Variant type: single nucleotide variant.
Coding change: c.726C>A on transcript NM_080605.4 (MANE Select); coding-DNA position 726, C replaced by A.
Protein change: p.Asp242Glu; replaces aspartic acid 242 with glutamic acid.
Molecular consequence: missense variant.
Genome position (GRCh38, 1-based): chr1:1,233,004, C>A. VCF-style: chr1-1233004-C-A. GRCh37 (hg19) VCF-style: chr1-1168384-C-A.
Other names: short protein forms D242E.
Identifiers: ClinVar variation 3132544 (VCV003132544.4), dbSNP rs750875003, ClinGen allele CA337828894.

ClinVar aggregate classification (germline): Uncertain significance. Review status: criteria provided, multiple submitters, no conflicts (2 of 4 stars). 3 submissions from 3 submitters: Uncertain significance (3). Last evaluated 2025-07-13.

Conditions:
Inborn genetic diseases. Identifiers: MedGen C0950123, MeSH D030342.
Ehlers-Danlos syndrome, spondylodysplastic type, 2 (EDSSPD2). Also called: Ehlers-Danlos syndrome, progeroid type, 2. Identifiers: Orphanet 536467, Orphanet 75496, MedGen C3809210, MONDO:0014139, OMIM 615349.
Spondyloepimetaphyseal dysplasia with joint laxity (SEMDJL). Identifiers: MedGen C0432243, MONDO:0019675.

Allele frequency attached by ClinVar (database versions not stated): gnomAD 0.00001.

Submissions (3):

Labcorp Genetics (formerly Invitae), Labcorp
Classification: Uncertain significance for Ehlers-Danlos syndrome, spondylodysplastic type, 2; Spondyloepimetaphyseal dysplasia with joint laxity. Last evaluated: 2025-07-13. Review status: criteria provided, single submitter. Criteria: Invitae Variant Classification Sherloc (09022015). Collection method: clinical testing. Allele origin: germline.
Comment: This sequence change replaces aspartic acid, which is acidic and polar, with glutamic acid, which is acidic and polar, at codon 242 of the B3GALT6 protein (p.Asp242Glu). This variant is not present in population databases (gnomAD no frequency). This variant has not been reported in the literature in individuals affected with B3GALT6-related conditions. ClinVar contains an entry for this variant (Variation ID: 3132544). Invitae Evidence Modeling of protein sequence and biophysical properties (such as structural, functional, and spatial information, amino acid conservation, physicochemical variation, residue mobility, and thermodynamic stability) indicates that this missense variant is expected to disrupt B3GALT6 protein function with a positive predictive value of 80%. In summary, the available evidence is currently insufficient to determine the role of this variant in disease. Therefore, it has been classified as a Variant of Uncertain Significance.

Women's Health and Genetics/Laboratory Corporation of America, LabCorp
Classification: Uncertain significance. Last evaluated: 2025-01-22. Review status: criteria provided, single submitter. Criteria: LabCorp Variant Classification Summary - May 2015. Collection method: clinical testing. Allele origin: germline.
Comment: Variant summary: B3GALT6 c.726C>A (p.Asp242Glu) results in a conservative amino acid change in the encoded protein sequence. Four of five in-silico tools predict a damaging effect of the variant on protein function. The frequency data for this variant in gnomAD is considered unreliable, as metrics indicate poor data quality at this position. To our knowledge, no occurrence of c.726C>A in individuals affected with Spondyloepimetaphyseal dysplasia with joint laxity, type 1, with or without fractures and no experimental evidence demonstrating its impact on protein function have been reported. ClinVar contains an entry for this variant (Variation ID: 3132544). Based on the evidence outlined above, the variant was classified as uncertain significance.

Ambry Genetics
Classification: Uncertain significance for Inborn genetic diseases. Last evaluated: 2023-12-06. Review status: criteria provided, single submitter. Criteria: Ambry Variant Classification Scheme 2023. Collection method: clinical testing. Allele origin: germline.